The following is an entry in ClinVar:

NM_006019.4(TCIRG1):c.215T>A (p.Val72Glu)

Gene: TCIRG1 (T cell immune regulator 1, ATPase H+ transporting V0 subunit a3; plus strand). Cytogenetic location: 11q13.2.
Variant type: single nucleotide variant.
Coding change: c.215T>A on transcript NM_006019.4 (MANE Select); coding-DNA position 215, T replaced by A.
Protein change: p.Val72Glu; replaces valine 72 with glutamic acid.
Molecular consequence: missense variant. On other transcripts: 5 prime UTR variant (1).
Genome position (GRCh38, 1-based): chr11:68,042,661, T>A. VCF-style: chr11-68042661-T-A. GRCh37 (hg19) VCF-style: chr11-67810128-T-A.
Other names: c.-1035T>A (NM_001351059.2); c.215T>A (NM_006019.3); short protein forms V72E.
Identifiers: ClinVar variation 1418831 (VCV001418831.4), dbSNP rs1347081763, ClinGen allele CA381575209.
Genomic context (GRCh38, chr11:68,042,661, plus strand): 5'-GACAACCTCAACTGCACCCCACTCCCGTTCCTCTGCGCCCAGCCTTCCTGCAGGAGGAGG[T>A]GCGGCGGGCTGGGCTGGTCCTGCCCCCGCCAAAGGGGAGGCTGCCGGCACCCCCACCCCG-3'
Protein context (NP_006010.2, residues 62-82): EKTFTFLQEE[Val72Glu]RRAGLVLPPP

ClinVar aggregate classification (germline): Uncertain significance. Review status: criteria provided, multiple submitters, no conflicts (2 of 4 stars). 2 submissions from 2 submitters: Uncertain significance (2). Last evaluated 2024-10-29.

Conditions:
Inborn genetic diseases. Identifiers: MedGen C0950123, MeSH D030342.

Allele frequency attached by ClinVar (database versions not stated): gnomAD 0.00001; gnomAD exomes 0.00001.

Submissions (2):

Ambry Genetics
Classification: Uncertain significance for Inborn genetic diseases. Last evaluated: 2024-10-29. Review status: criteria provided, single submitter. Criteria: Ambry Variant Classification Scheme 2023. Collection method: clinical testing. Allele origin: germline.

Labcorp Genetics (formerly Invitae), Labcorp
Classification: Uncertain significance. Last evaluated: 2022-02-28. Review status: criteria provided, single submitter. Criteria: Invitae Variant Classification Sherloc (09022015). Collection method: clinical testing. Allele origin: germline.
Comment: This sequence change replaces valine, which is neutral and non-polar, with glutamic acid, which is acidic and polar, at codon 72 of the TCIRG1 protein (p.Val72Glu). This variant is present in population databases (no rsID available, gnomAD 0.002%). This variant has not been reported in the literature in individuals affected with TCIRG1-related conditions. Algorithms developed to predict the effect of missense changes on protein structure and function are either unavailable or do not agree on the potential impact of this missense change (SIFT: "Deleterious"; PolyPhen-2: "Possibly Damaging"; Align-GVGD: "Class C0"). In summary, the available evidence is currently insufficient to determine the role of this variant in disease. Therefore, it has been classified as a Variant of Uncertain Significance.